The following is an entry in ClinVar:

NM_032242.4(PLXNA1):c.2871C>T (p.Thr957=)

Gene: PLXNA1 (plexin A1; plus strand). Cytogenetic location: 3q21.3.
Variant type: single nucleotide variant.
Coding change: c.2871C>T on transcript NM_032242.4 (MANE Select); coding-DNA position 2871, C replaced by T.
Protein change: p.Thr957=; no amino-acid change (threonine 957 retained).
Molecular consequence: synonymous variant.
Genome position (GRCh38, 1-based): chr3:127,014,825, C>T. VCF-style: chr3-127014825-C-T. GRCh37 (hg19) VCF-style: chr3-126733668-C-T.
Identifiers: ClinVar variation 4978743 (VCV004978743.1).
Genomic context (GRCh38, chr3:127,014,825, plus strand): 5'-GGAGGTGTGTGTGCGGGACTGCTCACCACACTACCGCGCCCTGTCACCCAAGCGCTTCAC[C>T]TTCGTGGTGAGTCTGCTGCCCTCCCTCTCTCCCTATTCTCTGCTGCTCTGAGAGGGTGCC-3'
Protein context (NP_115618.3, residues 947-967): HYRALSPKRF[Thr957=]FVTPTFYRVS

ClinVar aggregate classification (germline): Likely benign (1 of 4 stars; one submission).

Conditions:
PLXNA1-related disorder. Also called: PLXNA1-related condition.

gnomAD v4.1: 30 of 1,611,742 alleles (0.0019%); highest among the groups gnomAD compares: East Asian, 0.062%; no homozygotes.

Submission:

PreventionGenetics, part of Exact Sciences
Classification: Likely benign for PLXNA1-related condition. Last evaluated: 2026-08-26. Review status: criteria provided, single submitter. Criteria: ACMG Guidelines, 2015. Collection method: clinical testing. Allele origin: germline.
Comment: This variant is classified as likely benign based on ACMG/AMP sequence variant interpretation guidelines (Richards et al. 2015 PMID: 25741868, with internal and published modifications).